The following is an entry in ClinVar:

NM_181507.2(HPS5):c.1174A>T (p.Thr392Ser)

Gene: HPS5 (HPS5 biogenesis of lysosomal organelles complex 2 subunit 2; minus strand). Cytogenetic location: 11p15.1.
Variant type: single nucleotide variant.
Coding change: c.1174A>T on transcript NM_181507.2 (MANE Select); coding-DNA position 1174, A replaced by T.
Protein change: p.Thr392Ser; replaces threonine 392 with serine.
Molecular consequence: missense variant.
Genome position (GRCh38, 1-based): chr11:18,297,708, T>A on the plus strand (A>T on the coding strand, the complement: HPS5 is on the minus strand). VCF-style: chr11-18297708-T-A. GRCh37 (hg19) VCF-style: chr11-18319255-T-A.
Other names: c.832A>T, p.Thr278Ser (NM_007216.4, NM_181508.2); short protein forms T278S, T392S.
Identifiers: ClinVar variation 1050234 (VCV001050234.1), dbSNP rs753465573, ClinGen allele CA218542926.

ClinVar aggregate classification (germline): Uncertain significance (0 of 4 stars; one submission).

gnomAD v4.1: 49 of 1,613,850 alleles (0.003%); highest among the groups gnomAD compares: Non-Finnish European, 0.0038%; no homozygotes.

Submission:

Department of Pathology and Laboratory Medicine, Sinai Health System
Classification: Uncertain significance. Review status: no assertion criteria provided. Collection method: clinical testing. Allele origin: unknown. Affected: yes. Study: The Canadian Open Genetics Repository (COGR).
Comment: The HPS5 p.Thr278Ser variant was not identified in the literature nor was it identified in ClinVar, Cosmic or LOVD 3.0. The variant was identified in dbSNP (ID: rs753465573) and in control databases in 1 of 31368 chromosomes at a frequency of 0.000032 (Genome Aggregation Database Feb 27, 2017). The variant was observed in the following population: European (non-Finnish) in 1 of 15408 chromosomes (freq: 0.000065); it was not observed in the African, Latino, Ashkenazi Jewish, East Asian, European (Finnish), Other, and South Asian populations. The p.Thr278 residue is not conserved in mammals and computational analyses (PolyPhen-2, SIFT, AlignGVGD, BLOSUM, MutationTaster) do not suggest a high likelihood of impact to the protein; however, this information is not predictive enough to rule out pathogenicity. In summary, based on the above information the clinical significance of this variant cannot be determined with certainty at this time. This variant is classified as a variant of uncertain significance.